The following is an entry in ClinVar:

NM_000238.4(KCNH2):c.2766_2778del (p.Pro923fs)

Gene: KCNH2 (potassium voltage-gated channel subfamily H member 2; minus strand). Cytogenetic location: 7q36.1.
Variant type: Deletion.
Coding change: c.2766_2778del on transcript NM_000238.4 (MANE Select); coding-DNA positions 2766 to 2778, 13 bases deleted (GCCGGGGGGGCCG).
Protein change: p.Pro923fs; shifts the reading frame from proline 923.
Molecular consequence: frameshift variant.
Genome position (GRCh38, 1-based): chr7:150,947,793-150,947,805, CGGCCCCCCCGGC deleted on the plus strand (GCCGGGGGGGCCG on the coding strand, the reverse complement: KCNH2 is on the minus strand); deleting any 13 consecutive bases within chr7:150,947,793-150,947,812 gives the same sequence; the c. name uses the placement nearest the transcript's 3' end. VCF-style (leftmost placement, unchanged base first): chr7-150947792-ACGGCCCCCCCGGC-A. GRCh37 (hg19) VCF-style: chr7-150644880-ACGGCCCCCCCGGC-A.
Other names: c.2478_2490del, p.Pro827fs (NM_001406753.1); c.1746_1758del, p.Pro583fs (NM_172057.3); short protein forms P583fs, P827fs, P923fs.
Identifiers: ClinVar variation 3893973 (VCV003893973.1).
Genomic context (GRCh38, chr7:150,947,792, plus strand): 5'-CTGGGCCCTCATCCTCACTGCTCTCAGGGCTGGAGGGGCCACTGGACGGGCTCTCCCCCC[ACGGCCCCCCCGGC>A]CGGCCCCGGCTACTCGGCCCTGCCCCCGCCCGGCCCGGCCCCAAGGCCGACACCTCCCCT-3'

ClinVar aggregate classification (germline): Pathogenic (1 of 4 stars; one submission).

Conditions:
Cardiac arrhythmia. Also called: Cardiac rhythm disease; Arrhythmia. Identifiers: MedGen C0003811, MONDO:0007263, HP:0011675.

Submission:

Color Diagnostics, LLC DBA Color Health
Classification: Pathogenic for Cardiac arrhythmia. Last evaluated: 2024-06-18. Review status: criteria provided, single submitter. Criteria: ACMG Guidelines, 2015. Collection method: clinical testing. Allele origin: germline.
Comment: This variant deletes 13 nucleotides in exon 12 of the KCNH2 gene, creating a frameshift and premature translation stop signal. This variant is expected to result in an absent or non-functional protein product. To our knowledge, this variant has not been reported in individuals affected with KCNH2-related disorders in the literature. This variant has not been identified in the general population by the Genome Aggregation Database (gnomAD). Loss of KCNH2 function is a known mechanism of disease. Based on the available evidence, this variant is classified as Pathogenic.